The following is an entry in ClinVar:

NM_002439.5(MSH3):c.868C>G (p.Leu290Val)

Gene: MSH3 (mutS homolog 3; plus strand). Cytogenetic location: 5q14.1.
Variant type: single nucleotide variant.
Coding change: c.868C>G on transcript NM_002439.5 (MANE Select); coding-DNA position 868, C replaced by G.
Protein change: p.Leu290Val; replaces leucine 290 with valine.
Molecular consequence: missense variant.
Genome position (GRCh38, 1-based): chr5:80,672,319, C>G. VCF-style: chr5-80672319-C-G. GRCh37 (hg19) VCF-style: chr5-79968138-C-G.
Other names: short protein forms L290V.
Identifiers: ClinVar variation 1764311 (VCV001764311.2), dbSNP rs1430532080, ClinGen allele CA360267219.
Genomic context (GRCh38, chr5:80,672,319, plus strand): 5'-CTCAATATTTATTGCCATTTAGATCACAACTTTATGACAGCAAGTATACCTACTCACAGA[C>G]TGTTTGTTCATGTACGCCGCCTGGTGGCAAAAGGATATAAGGTCAGCTTTGGCTTTAACT-3'
Protein context (NP_002430.3, residues 280-300): FMTASIPTHR[Leu290Val]FVHVRRLVAK

ClinVar aggregate classification (germline): Uncertain significance (1 of 4 stars; one submission).

Conditions:
Hereditary cancer-predisposing syndrome. Also called: Neoplastic Syndromes, Hereditary; Tumor predisposition; Hereditary Cancer Syndrome; Hereditary neoplastic syndrome. Identifiers: Orphanet 140162, MedGen C0027672, MeSH D009386, MONDO:0015356.

Submission:

Ambry Genetics
Classification: Uncertain significance for Hereditary cancer-predisposing syndrome. Last evaluated: 2022-03-25. Review status: criteria provided, single submitter. Criteria: Ambry Variant Classification Scheme 2023. Collection method: clinical testing. Allele origin: germline.
Comment: The p.L290V variant (also known as c.868C>G), located in coding exon 5 of the MSH3 gene, results from a C to G substitution at nucleotide position 868. The leucine at codon 290 is replaced by valine, an amino acid with highly similar properties. This amino acid position is conserved. In addition, the in silico prediction for this alteration is inconclusive. Since supporting evidence is limited at this time, the clinical significance of this alteration remains unclear.